The following is an entry in ClinVar:

ClinVar aggregate classification (germline): Likely benign. Review status: criteria provided, single submitter (1 of 4 stars). 2 submissions from 2 submitters: Likely benign (1). 1 of the submissions does not count toward it. Last evaluated 2025-12-01.

Conditions:
FANCF-related disorder. Also called: FANCF-related condition.
Fanconi anemia (FA). Also called: Fanconi's anemia. Identifiers: Orphanet 84, MedGen C0015625, MeSH D005199, MONDO:0019391.

Allele frequency attached by ClinVar (database versions not stated): gnomAD exomes 0.00001; TOPMed 0.00001.
gnomAD v4.1: 3 of 1,614,122 alleles (0.00019%); highest among the groups gnomAD compares: Non-Finnish European, 0.00025%; no homozygotes.

Submissions (2):

Labcorp Genetics (formerly Invitae), Labcorp
Classification: Likely benign for Fanconi anemia. Last evaluated: 2025-12-01. Review status: criteria provided, single submitter. Criteria: Invitae Variant Classification Sherloc (09022015). Collection method: clinical testing. Allele origin: germline.

PreventionGenetics, part of Exact Sciences
Classification: Likely benign for FANCF-related condition. Last evaluated: 2020-03-06. Review status: no assertion criteria provided. Collection method: clinical testing. Allele origin: germline. Not counted in ClinVar's aggregate classification.
Comment: This variant is classified as likely benign based on ACMG/AMP sequence variant interpretation guidelines (Richards et al. 2015 PMID: 25741868, with internal and published modifications).

NM_022725.4(FANCF):c.750C>A (p.Ala250=)

Gene: FANCF (FA complementation group F; minus strand). Cytogenetic location: 11p14.3.
Variant type: single nucleotide variant.
Coding change: c.750C>A on transcript NM_022725.4 (MANE Select); coding-DNA position 750, C replaced by A.
Protein change: p.Ala250=; no amino-acid change (alanine 250 retained).
Molecular consequence: synonymous variant.
Genome position (GRCh38, 1-based): chr11:22,625,061, G>T on the plus strand (C>A on the coding strand, the complement: FANCF is on the minus strand). VCF-style: chr11-22625061-G-T. GRCh37 (hg19) VCF-style: chr11-22646607-G-T.
Identifiers: ClinVar variation 1918096 (VCV001918096.6), dbSNP rs966794897, ClinGen allele CA219086625.